The following is an entry in ClinVar:

NM_001098.3(ACO2):c.2007G>C (p.Ser669=)

Genes: ACO2 (aconitase 2; plus strand), POLR3H (RNA polymerase III subunit H; minus strand). Cytogenetic location: 22q13.2.
Variant type: single nucleotide variant.
Coding change: c.2007G>C on transcript NM_001098.3 (MANE Select); coding-DNA position 2007, G replaced by C.
Protein change: p.Ser669=; no amino-acid change (serine 669 retained).
Molecular consequence: synonymous variant. On other transcripts: 3 prime UTR variant (5).
Genome position (GRCh38, 1-based): chr22:41,527,341, G>C. VCF-style: chr22-41527341-G-C. GRCh37 (hg19) VCF-style: chr22-41923345-G-C.
Other names: c.*1942C>G (NM_001018050.4, NM_001018052.4, NM_001282884.2 and 2 more transcripts).
Identifiers: ClinVar variation 514805 (VCV000514805.8), dbSNP rs757964630, ClinGen allele CA10257857.

ClinVar aggregate classification (germline): Likely benign. Review status: criteria provided, multiple submitters, no conflicts (2 of 4 stars). 2 submissions from 2 submitters: Likely benign (2). Last evaluated 2025-09-29.

gnomAD v4.1: 7 of 1,614,024 alleles (0.00043%); highest among the groups gnomAD compares: African/African-American, 0.0013%; no homozygotes.

Submissions (2):

Labcorp Genetics (formerly Invitae), Labcorp
Classification: Likely benign. Last evaluated: 2025-09-29. Review status: criteria provided, single submitter. Criteria: Invitae Variant Classification Sherloc (09022015). Collection method: clinical testing. Allele origin: germline.

GeneDx
Classification: Likely benign. Last evaluated: 2018-01-16. Review status: criteria provided, single submitter. Criteria: GeneDx Variant Classification (06012015). Collection method: clinical testing. Allele origin: germline. Affected: yes.
Comment: This variant is considered likely benign or benign based on one or more of the following criteria: it is a conservative change, it occurs at a poorly conserved position in the protein, it is predicted to be benign by multiple in silico algorithms, and/or has population frequency not consistent with disease.